The following is an entry in ClinVar:

NM_001854.4(COL11A1):c.3634_3636del (p.Asn1212del)

Gene: COL11A1 (collagen type XI alpha 1 chain; minus strand). Cytogenetic location: 1p21.1.
Variant type: Deletion.
Coding change: c.3634_3636del on transcript NM_001854.4 (MANE Select); coding-DNA positions 3634 to 3636, 3 bases deleted (AAT; older notation c.3634_3636delAAT).
Protein change: p.Asn1212del; deletes asparagine 1212.
Molecular consequence: inframe deletion. On other transcripts: non-coding transcript variant (1), inframe indel (1).
Genome position (GRCh38, 1-based): chr1:102,923,354-102,923,356, ATT deleted on the plus strand (AAT on the coding strand, the reverse complement: COL11A1 is on the minus strand). VCF-style (leftmost placement, unchanged base first): chr1-102923353-CATT-C. GRCh37 (hg19) VCF-style: chr1-103388909-CATT-C.
Other names: c.3517_3519del, p.Asn1173del (NM_001190709.2); c.3670_3672del, p.Asn1224del (NM_080629.3); c.3286_3288del, p.Asn1096del (NM_080630.4); c.3286_3288delAAT, p.Asn1096del (NM_001168249.1); short protein forms N1096del, N1173del, N1224del, N1212del.
Identifiers: ClinVar variation 2020950 (VCV002020950.4), dbSNP rs2524570125, ClinGen allele CA2580060734.

ClinVar aggregate classification (germline): Uncertain significance (1 of 4 stars; one submission).

Submission:

Labcorp Genetics (formerly Invitae), Labcorp
Classification: Uncertain significance. Last evaluated: 2022-09-13. Review status: criteria provided, single submitter. Criteria: Invitae Variant Classification Sherloc (09022015). Collection method: clinical testing. Allele origin: germline.
Comment: This variant, c.3634_3636del, results in the deletion of 1 amino acid(s) of the COL11A1 protein (p.Asn1212del), but otherwise preserves the integrity of the reading frame. This variant is not present in population databases (gnomAD no frequency). This variant has not been reported in the literature in individuals affected with COL11A1-related conditions. Experimental studies and prediction algorithms are not available or were not evaluated, and the functional significance of this variant is currently unknown. In summary, the available evidence is currently insufficient to determine the role of this variant in disease. Therefore, it has been classified as a Variant of Uncertain Significance.